The following is an entry in ClinVar:

NM_130839.5(UBE3A):c.477A>T (p.Ala159=)

Genes: SNHG14 (small nucleolar RNA host gene 14; plus strand), UBE3A (ubiquitin protein ligase E3A; minus strand). Cytogenetic location: 15q11.2.
Variant type: single nucleotide variant.
Coding change: c.477A>T on transcript NM_130839.5 (MANE Select); coding-DNA position 477, A replaced by T.
Protein change: p.Ala159=; no amino-acid change (alanine 159 retained).
Molecular consequence: synonymous variant. On other transcripts: non-coding transcript variant (1), intron variant (2).
Genome position (GRCh38, 1-based): chr15:25,371,697, T>A on the plus strand (A>T on the coding strand, the complement: UBE3A is on the minus strand). VCF-style: chr15-25371697-T-A. GRCh37 (hg19) VCF-style: chr15-25616844-T-A.
Other names: p.A159A:GCA>GCT; NM_130839.5(UBE3A):c.477A>T; p.Ala159=; p.Ala139=; c.486A>T, p.Ala162= (NM_000462.5); c.477A>T, p.Ala159= (NM_001354505.1, NM_001354538.2, NM_001354545.2); c.417A>T, p.Ala139= (NM_001354506.2, NM_001354507.2, NM_001354508.2 and 17 more transcripts); c.300A>T, p.Ala100= (NM_001354546.2); and 2 more.
Identifiers: ClinVar variation 96264 (VCV000096264.28), dbSNP rs28528079, ClinGen allele CA149414.
Genomic context (GRCh38, chr15:25,371,697, plus strand): 5'-TTGAAGAGATTTCAGTTCTTCCTTGGTGTGTTGTTTAACTTTCCGGAAGCTCTGTACCAA[T>A]GCCTCAGCACTAGAAAAAACTCTTCCAATAACACGGATTAAAGGGGAATAATCCTCTCTT-3'
Protein context (NP_570854.1, residues 149-169): VIGRVFSSAE[Ala159=]LVQSFRKVKQ

ClinVar aggregate classification (germline): Benign. Review status: reviewed by expert panel (3 of 4 stars). 9 submissions from 9 submitters: Benign (1). 8 of the submissions do not count toward it. Last evaluated 2022-06-30.

Conditions:
Inborn genetic diseases. Identifiers: MedGen C0950123, MeSH D030342.
Angelman syndrome (AS). Also called: HAPPY PUPPET SYNDROME. Identifiers: Orphanet 72, MedGen C0162635, MONDO:0007113, OMIM 105830. Disease mechanism: loss of function. Inheritance: AS is caused by disruption of maternally imprinted UBE3A located within the 15q11.2-q13 Angelman syndrome/Prader-Willi syndrome (AS/PWS) region., imprinting disorder.

Allele frequency attached by ClinVar (database versions not stated): gnomAD 0.03018 and 0.02826; ESP Exome Variant Server 0.03129; 1000 Genomes Project 0.03335; 1000 Genomes Project 30x 0.03435; TOPMed 0.02852; gnomAD exomes 0.00763; ExAC 0.00916.
gnomAD v4.1: 8,326 of 1,613,996 alleles (0.52%); highest among the groups gnomAD compares: African/African-American, 9.5%; 381 homozygotes.

Submissions (9):

ClinGen Rett and Angelman-like Disorders Variant Curation Expert Panel
Classification: Benign for Angelman syndrome. Last evaluated: 2022-06-30. Review status: reviewed by expert panel. Criteria: ClinGen RettAS ACMG Specifications V2. Collection method: curation. Allele origin: germline. Inheritance: Autosomal dominant inheritance.
Comment: The allele frequency of the c.417A>T p.(Ala139=) variant in UBE3A (NM_130838.2) is 9.85% in African/African-American sub population in gnomAD, which is high enough to be classified as benign based on thresholds defined by the ClinGen Rett/Angelman-like Expert Panel for Rett/AS-like conditions (BA1). In summary, the c.417A>T p.(Ala139=) variant in UBE3A is classified as Benign based on the ACMG/AMP criteria (BA1).

Labcorp Genetics (formerly Invitae), Labcorp
Classification: Benign for Angelman syndrome. Last evaluated: 2026-02-03. Review status: criteria provided, single submitter. Criteria: Invitae Variant Classification Sherloc (09022015). Collection method: clinical testing. Allele origin: germline. Not counted in ClinVar's aggregate classification.

Mayo Clinic Laboratories, Mayo Clinic
Classification: Benign. Last evaluated: 2018-04-10. Review status: criteria provided, single submitter. Criteria: ACMG Guidelines, 2015. Collection method: clinical testing. Allele origin: germline. Observed: 20 variant alleles. Not counted in ClinVar's aggregate classification.

GeneDx
Classification: Benign. Last evaluated: 2016-06-14. Review status: criteria provided, single submitter. Criteria: GeneDx Variant Classification (06012015). Collection method: clinical testing. Allele origin: germline. Affected: yes. Not counted in ClinVar's aggregate classification.
Comment: This variant is considered likely benign or benign based on one or more of the following criteria: it is a conservative change, it occurs at a poorly conserved position in the protein, it is predicted to be benign by multiple in silico algorithms, and/or has population frequency not consistent with disease.

Ambry Genetics
Classification: Benign for Inborn genetic diseases. Last evaluated: 2016-03-13. Review status: criteria provided, single submitter. Criteria: Ambry Variant Classification Scheme 2023. Collection method: clinical testing. Allele origin: germline. Not counted in ClinVar's aggregate classification.

Eurofins Ntd Llc (ga)
Classification: Benign. Last evaluated: 2015-03-13. Review status: criteria provided, single submitter. Criteria: EGL Classification Definitions 2015. Collection method: clinical testing. Allele origin: germline. Observed: 4 variant alleles, 4 heterozygotes. Not counted in ClinVar's aggregate classification.

Genetic Services Laboratory, University of Chicago
Classification: Benign. Last evaluated: 2013-02-08. Review status: criteria provided, single submitter. Criteria: ACMG Guidelines, 2007. Collection method: clinical testing. Allele origin: germline. Inheritance: Autosomal dominant inheritance. Not counted in ClinVar's aggregate classification.

Breakthrough Genomics
Classification: Benign. Review status: criteria provided, single submitter. Criteria: ACMG Guidelines, 2015. Collection method: not provided. Allele origin: germline. Inheritance: Autosomal dominant inheritance. Affected: yes. Not counted in ClinVar's aggregate classification.

Baylor Genetics
Classification: Uncertain significance for Angelman syndrome. Last evaluated: 2014-02-14. Review status: no assertion criteria provided. Collection method: clinical testing. Allele origin: paternal. Affected: yes. Observed: 3 variant alleles. Study: UBE3A Mutation Study. Not counted in ClinVar's aggregate classification.
Comment: possible diagnosis of Angelman syndrome

MAF 0.051

Data collected from clinical UBE3A sequence analysis results

Literature cited by the submitters: PubMed 25212744 (cited by Baylor Genetics).